The following is an entry in ClinVar:

NM_182961.4(SYNE1):c.8169C>T (p.His2723=)

Gene: SYNE1 (spectrin repeat containing nuclear envelope protein 1; minus strand). Cytogenetic location: 6q25.2.
Variant type: single nucleotide variant.
Coding change: c.8169C>T on transcript NM_182961.4 (MANE Select); coding-DNA position 8169, C replaced by T.
Protein change: p.His2723=; no amino-acid change (histidine 2723 retained).
Molecular consequence: synonymous variant.
Genome position (GRCh38, 1-based): chr6:152,390,288, G>A on the plus strand (C>T on the coding strand, the complement: SYNE1 is on the minus strand). VCF-style: chr6-152390288-G-A. GRCh37 (hg19) VCF-style: chr6-152711423-G-A.
Other names: c.8190C>T, p.His2730= (NM_033071.5); c.8190C>T (NM_033071.3).
Identifiers: ClinVar variation 1156499 (VCV001156499.12), dbSNP rs371449580, ClinGen allele CA4057608.

ClinVar aggregate classification (germline): Likely benign. Review status: criteria provided, single submitter (1 of 4 stars). 2 submissions from 2 submitters: Likely benign (1). 1 of the submissions does not count toward it. Last evaluated 2025-05-05.

Conditions:
SYNE1-related disorder. Also called: SYNE1-related disease; SYNE1-related condition; SYNE1-related disorders.
Emery-Dreifuss muscular dystrophy 4, autosomal dominant (EDMD4). Also called: EMERY-DREIFUSS MUSCULAR DYSTROPHY 4 WITH VARIABLE FEATURES. Identifiers: Orphanet 261, MedGen C2751807, MONDO:0013071, OMIM 612998.
Autosomal recessive ataxia, Beauce type. Also called: ATAXIA, RECESSIVE, OF BEAUCE; Spinocerebellar ataxia, autosomal recessive 8; SYNE1 Deficiency; SYNE1-Related Autosomal Recessive Cerebellar Ataxia. Identifiers: Orphanet 88644, MedGen C1853116, MONDO:0012549, OMIM 610743.

Allele frequency attached by ClinVar (database versions not stated): ESP Exome Variant Server 0.00015; gnomAD exomes 0.00016 and 0.00027; ExAC 0.00033; gnomAD 0.00005 and 0.00004; TOPMed 0.00008.
gnomAD v4.1: 243 of 1,613,838 alleles (0.015%); highest among the groups gnomAD compares: South Asian, 0.15%; 6 homozygotes.

Submissions (2):

Labcorp Genetics (formerly Invitae), Labcorp
Classification: Likely benign for Emery-Dreifuss muscular dystrophy 4, autosomal dominant; Autosomal recessive ataxia, Beauce type. Last evaluated: 2025-05-05. Review status: criteria provided, single submitter. Criteria: Invitae Variant Classification Sherloc (09022015). Collection method: clinical testing. Allele origin: germline.

PreventionGenetics, part of Exact Sciences
Classification: Likely benign for SYNE1-related condition. Last evaluated: 2019-02-22. Review status: no assertion criteria provided. Collection method: clinical testing. Allele origin: germline. Not counted in ClinVar's aggregate classification.
Comment: This variant is classified as likely benign based on ACMG/AMP sequence variant interpretation guidelines (Richards et al. 2015 PMID: 25741868, with internal and published modifications).